The following is an entry in ClinVar:

NM_000016.6(ACADM):c.351A>C (p.Thr117=)

Gene: ACADM (acyl-CoA dehydrogenase medium chain; plus strand). Cytogenetic location: 1p31.1.
Variant type: single nucleotide variant.
Coding change: c.351A>C on transcript NM_000016.6 (MANE Select); coding-DNA position 351, A replaced by C.
Protein change: p.Thr117=; no amino-acid change (threonine 117 retained).
Molecular consequence: synonymous variant. On other transcripts: intron variant (1).
Genome position (GRCh38, 1-based): chr1:75,733,592, A>C. VCF-style: chr1-75733592-A-C. GRCh37 (hg19) VCF-style: chr1-76199277-A-C.
Other names: p.T117T:ACA>ACC; p.Thr117=; 351A-C; c.363A>C, p.Thr121= (NM_001127328.3); c.243A>C, p.Thr81= (NM_001286042.2); c.450A>C, p.Thr150= (NM_001286043.2); c.-100+670A>C (NM_001286044.2).
Identifiers: ClinVar variation 92263 (VCV000092263.34), dbSNP rs74090726, ClinGen allele CA116375.
Genomic context (GRCh38, chr1:75,733,592, plus strand): 5'-TCTTGGACTTGGAACTTTTGATGCTTGTTTAATTAGTGAAGAATTGGCTTATGGATGTAC[A>C]GGGGTTCAGACTGCTATTGAAGGAAATTCTTTGGGGGTAAGTGACTTAGAAAATTAACTA-3'
Protein context (NP_000007.1, residues 107-127): LISEELAYGC[Thr117=]GVQTAIEGNS

ClinVar aggregate classification (germline): Benign. Review status: criteria provided, multiple submitters, no conflicts (2 of 4 stars). 13 submissions from 13 submitters: Benign (10). 3 of the submissions do not count toward it. Last evaluated 2026-02-04.

Conditions:
Medium-chain acyl-coenzyme A dehydrogenase deficiency (ACADMD). Also called: CARNITINE DEFICIENCY SECONDARY TO MEDIUM-CHAIN ACYL-CoA DEHYDROGENASE DEFICIENCY; MCAD Deficiency; Medium chain acyl-CoA dehydrogenase deficiency; MCADH DEFICIENCY; MCADD; ACADM DEFICIENCY. Identifiers: Orphanet 42, MedGen C0220710, MONDO:0008721, OMIM 201450.
MCAD deficiency, modifier of.

Allele frequency attached by ClinVar (database versions not stated): gnomAD exomes 0.02688; ExAC 0.02793; 1000 Genomes Project 0.04014; 1000 Genomes Project 30x 0.04247; gnomAD 0.04935 and 0.05204; TOPMed 0.05270; ESP Exome Variant Server 0.05490.
gnomAD v4.1: 50,328 of 1,613,988 alleles (3.1%); highest among the groups gnomAD compares: African/African-American, 11%; 1,141 homozygotes.

Submissions (13):

Labcorp Genetics (formerly Invitae), Labcorp
Classification: Benign for Medium-chain acyl-coenzyme A dehydrogenase deficiency. Last evaluated: 2026-02-04. Review status: criteria provided, single submitter. Criteria: Invitae Variant Classification Sherloc (09022015). Collection method: clinical testing. Allele origin: germline.

ARUP Laboratories, Molecular Genetics and Genomics, ARUP Laboratories
Classification: Benign for Medium-chain acyl-coenzyme A dehydrogenase deficiency. Last evaluated: 2025-05-21. Review status: criteria provided, single submitter. Criteria: ARUP Molecular Germline Variant Investigation Process 2024. Collection method: clinical testing. Allele origin: germline.

Mayo Clinic Laboratories, Mayo Clinic
Classification: Benign. Last evaluated: 2025-03-03. Review status: criteria provided, single submitter. Criteria: ACMG Guidelines, 2015. Collection method: clinical testing. Allele origin: germline. Observed: 57 variant alleles.
Comment: BA1, BS2, BP4, BP7

Department of Pathology and Laboratory Medicine, Sinai Health System
Classification: Benign for medium chain acyl-CoA dehydrogenase deficiency. Last evaluated: 2023-04-17. Review status: criteria provided, single submitter. Criteria: ACMG Guidelines, 2015. Collection method: research. Allele origin: germline.

Quest Diagnostics Nichols Institute San Juan Capistrano
Classification: Benign. Last evaluated: 2020-07-25. Review status: criteria provided, single submitter. Criteria: Quest Diagnostics criteria. Collection method: clinical testing. Allele origin: unknown.

Illumina Laboratory Services, Illumina
Classification: Benign for Medium-chain acyl-coenzyme A dehydrogenase deficiency. Last evaluated: 2018-03-06. Review status: criteria provided, single submitter. Criteria: ICSL Variant Classification Criteria 13 December 2019. Collection method: clinical testing. Allele origin: germline.
Comment: This variant was observed in the ICSL laboratory as part of a predisposition screen in an ostensibly healthy population. It had not been previously curated by ICSL or reported in the Human Gene Mutation Database (HGMD: prior to June 1st, 2018), and was therefore a candidate for classification through an automated scoring system. Utilizing variant allele frequency, disease prevalence and penetrance estimates, and inheritance mode, an automated score was calculated to assess if this variant is too frequent to cause the disease. Based on the score and internal cut-off values, a variant classified as benign is not then subjected to further curation. The score for this variant resulted in a classification of benign for this disease.

GeneDx
Classification: Benign. Last evaluated: 2013-05-29. Review status: criteria provided, single submitter. Criteria: GeneDx Variant Classification (06012015). Collection method: clinical testing. Allele origin: germline. Affected: yes.
Comment: This variant is considered likely benign or benign based on one or more of the following criteria: it is a conservative change, it occurs at a poorly conserved position in the protein, it is predicted to be benign by multiple in silico algorithms, and/or has population frequency not consistent with disease.

Eurofins Ntd Llc (ga)
Classification: Benign. Last evaluated: 2013-01-24. Review status: criteria provided, single submitter. Criteria: EGL Classification Definitions 2015. Collection method: clinical testing. Allele origin: germline. Observed: 7 variant alleles, 7 heterozygotes.

Breakthrough Genomics
Classification: Benign. Review status: criteria provided, single submitter. Criteria: ACMG Guidelines, 2015. Collection method: not provided. Allele origin: germline. Inheritance: Autosomal recessive inheritance. Affected: yes.

PreventionGenetics, part of Exact Sciences
Classification: Benign. Review status: criteria provided, single submitter. Criteria: ACMG Guidelines, 2015. Collection method: clinical testing. Allele origin: germline.

Counsyl
Classification: Benign for Medium-chain acyl-coenzyme A dehydrogenase deficiency. Last evaluated: 2018-01-19. Review status: no assertion criteria provided. Collection method: clinical testing. Allele origin: unknown. Not counted in ClinVar's aggregate classification.

Natera, Inc.
Classification: Benign for Medium Chain Acyl-CoA Dehydrogenase Deficiency. Last evaluated: 2017-03-28. Review status: no assertion criteria provided. Collection method: clinical testing. Allele origin: germline. Not counted in ClinVar's aggregate classification.

OMIM
Classification: risk factor for MCAD DEFICIENCY, MODIFIER OF. Last evaluated: 2007-03-01. Review status: no assertion criteria provided. Collection method: literature only. Allele origin: germline. Not counted in ClinVar's aggregate classification.

Literature cited by the submitters: PubMed 34923709 (cited by Mayo Clinic Laboratories, Mayo Clinic); PubMed 35281663 (cited by Mayo Clinic Laboratories, Mayo Clinic); PubMed 35629059 (cited by Mayo Clinic Laboratories, Mayo Clinic); PubMed 17273963 (cited by Counsyl and OMIM); PubMed 11349232 (cited by Counsyl).